The following is an entry in ClinVar:

NM_000051.4(ATM):c.3137T>G (p.Leu1046Arg)

Gene: ATM (ATM serine/threonine kinase; plus strand). Cytogenetic location: 11q22.3.
Variant type: single nucleotide variant.
Coding change: c.3137T>G on transcript NM_000051.4 (MANE Select); coding-DNA position 3137, T replaced by G.
Protein change: p.Leu1046Arg; replaces leucine 1046 with arginine.
Molecular consequence: missense variant.
Genome position (GRCh38, 1-based): chr11:108,272,591, T>G. VCF-style: chr11-108272591-T-G. GRCh37 (hg19) VCF-style: chr11-108143318-T-G.
Other names: c.3137T>G, p.Leu1046Arg (NM_001351834.2); short protein forms L1046R.
Identifiers: ClinVar variation 2713366 (VCV002713366.4), dbSNP rs568461905, ClinGen allele CA382515316.

ClinVar aggregate classification (germline): Uncertain significance. Review status: criteria provided, multiple submitters, no conflicts (2 of 4 stars). 2 submissions from 2 submitters: Uncertain significance (2). Last evaluated 2026-01-15.

Conditions:
Hereditary cancer-predisposing syndrome. Also called: Tumor predisposition; Hereditary Cancer Syndrome; Hereditary neoplastic syndrome; Neoplastic Syndromes, Hereditary. Identifiers: Orphanet 140162, MedGen C0027672, MeSH D009386, MONDO:0015356.
Ataxia-telangiectasia syndrome (AT). Also called: Ataxia telangiectasia (A-T); LOUIS-BAR SYNDROME; Cerebello-oculocutaneous telangiectasia; Immunodeficiency with ataxia telangiectasia; Ataxia-telangiectasia, complementation group D; AT, COMPLEMENTATION GROUP C. Identifiers: Orphanet 100, MedGen C0004135, MONDO:0008840, OMIM 208900.

Submissions (2):

Ambry Genetics
Classification: Uncertain significance for Hereditary cancer-predisposing syndrome. Last evaluated: 2026-01-15. Review status: criteria provided, single submitter. Criteria: Ambry Variant Classification Scheme 2023. Collection method: clinical testing. Allele origin: germline.
Comment: The p.L1046R variant (also known as c.3137T>G), located in coding exon 20 of the ATM gene, results from a T to G substitution at nucleotide position 3137. The leucine at codon 1046 is replaced by arginine, an amino acid with dissimilar properties. A variant at the same codon, p.L1046P (c.3137T>C), has been identified in the homozygous state and/or in conjunction with other ATM variant(s) in individual(s) with features consistent with Ataxia telangiectasia (Carranza D et al. Neuromolecular Med, 2017 Mar;19:161-174; Shakya S et al. Clin Genet, 2019 Dec;96:566-574). Based on internal structural analysis, this variant is anticipated to result in a significant decrease in structural stability (Warren C et al. Elife, 2022 Jan;11; Yates LA et al. Structure, 2020 Jan;28:96-104.e3). This amino acid position is well conserved in available vertebrate species. In addition, this alteration is predicted to be deleterious by in silico analysis. Based on the available evidence, the clinical significance of this variant remains unclear.

Labcorp Genetics (formerly Invitae), Labcorp
Classification: Uncertain significance for Ataxia-telangiectasia syndrome. Last evaluated: 2024-01-29. Review status: criteria provided, single submitter. Criteria: Invitae Variant Classification Sherloc (09022015). Collection method: clinical testing. Allele origin: germline.
Comment: This sequence change replaces leucine, which is neutral and non-polar, with arginine, which is basic and polar, at codon 1046 of the ATM protein (p.Leu1046Arg). This variant is not present in population databases (gnomAD no frequency). This variant has not been reported in the literature in individuals affected with ATM-related conditions. An algorithm developed to predict the effect of missense changes on protein structure and function (PolyPhen-2) suggests that this variant is likely to be disruptive. This variant disrupts the p.Leu1046 amino acid residue in ATM. Other variant(s) that disrupt this residue have been determined to be pathogenic (PMID: 27664052; Invitae). This suggests that this residue is clinically significant, and that variants that disrupt this residue are likely to be disease-causing. In summary, the available evidence is currently insufficient to determine the role of this variant in disease. Therefore, it has been classified as a Variant of Uncertain Significance.

Literature cited by the submitters: PubMed 27664052 (cited by Ambry Genetics and Labcorp Genetics (formerly Invitae), Labcorp); PubMed 31429931 (cited by Ambry Genetics); PubMed 31740029 (cited by Ambry Genetics); PubMed 35076389 (cited by Ambry Genetics).